The following is an entry in ClinVar:

NM_003238.6(TGFB2):c.529T>G (p.Leu177Val)

Gene: TGFB2 (transforming growth factor beta 2; plus strand). Cytogenetic location: 1q41.
Variant type: single nucleotide variant.
Coding change: c.529T>G on transcript NM_003238.6 (MANE Select); coding-DNA position 529, T replaced by G.
Protein change: p.Leu177Val; replaces leucine 177 with valine.
Molecular consequence: missense variant. On other transcripts: non-coding transcript variant (2).
Genome position (GRCh38, 1-based): chr1:218,434,100, T>G. VCF-style: chr1-218434100-T-G. GRCh37 (hg19) VCF-style: chr1-218607442-T-G.
Other names: c.613T>G, p.Leu205Val (NM_001135599.4); short protein forms L177V, L205V.
Identifiers: ClinVar variation 4183544 (VCV004183544.1).

ClinVar aggregate classification (germline): Uncertain significance (1 of 4 stars; one submission).

Conditions:
Familial thoracic aortic aneurysm and aortic dissection (TAAD). Also called: Thoracic aortic aneurysms and dissections. Identifiers: Orphanet 91387, MedGen C4707243, MONDO:0019625.

gnomAD v4.1: 1 of 1,614,098 alleles (0.000062%); highest among the groups gnomAD compares: African/African-American, 0.0013%; no homozygotes.

Submission:

Ambry Genetics
Classification: Uncertain significance for Familial thoracic aortic aneurysm and aortic dissection. Last evaluated: 2025-08-03. Review status: criteria provided, single submitter. Criteria: Ambry Variant Classification Scheme 2023. Collection method: clinical testing. Allele origin: germline.
Comment: The p.L177V variant (also known as c.529T>G), located in coding exon 3 of the TGFB2 gene, results from a T to G substitution at nucleotide position 529. The leucine at codon 177 is replaced by valine, an amino acid with highly similar properties. This amino acid position is conserved. In addition, this alteration is predicted to be tolerated by in silico analysis. Based on the available evidence, the clinical significance of this variant remains unclear.